The following is an entry in ClinVar:

ClinVar aggregate classification (germline): Uncertain significance (1 of 4 stars; one submission).

Submission:

CeGaT Center for Human Genetics Tuebingen
Classification: Uncertain significance. Last evaluated: 2025-06-01. Review status: criteria provided, single submitter. Criteria: CeGaT Center For Human Genetics Tuebingen Variant Classification Criteria Version 2. Collection method: clinical testing. Allele origin: germline. Affected: yes. Observed: 1 variant allele.
Comment: TBK1: PM2, PVS1:Moderate

NM_013254.4(TBK1):c.2067-1G>C

Gene: TBK1 (TANK binding kinase 1; plus strand). Cytogenetic location: 12q14.2.
Variant type: single nucleotide variant.
Coding change: c.2067-1G>C on transcript NM_013254.4 (MANE Select); the canonical splice acceptor site of the intron before coding-DNA position 2067, G replaced by C.
Molecular consequence: splice acceptor variant.
Genome position (GRCh38, 1-based): chr12:64,497,967, G>C. VCF-style: chr12-64497967-G-C. GRCh37 (hg19) VCF-style: chr12-64891747-G-C.
Identifiers: ClinVar variation 4085181 (VCV004085181.8).
Genomic context (GRCh38, chr12:64,497,967, plus strand): 5'-AACATCATTCTAAAACATTTGCATACTGTTTTTGAGCAAAGGTGCTTGTTTATTTTATTA[G>C]TATGAAGAAATTAAAGGAAGAGATGGAAGGGGTGGTTAAAGAACTTGCTGAAAATAACCA-3'